The following is an entry in ClinVar:

NM_000166.6(GJB1):c.628G>A (p.Val210Met)

Gene: GJB1 (gap junction protein beta 1; plus strand). Cytogenetic location: Xq13.1.
Variant type: single nucleotide variant.
Coding change: c.628G>A on transcript NM_000166.6 (MANE Select); coding-DNA position 628, G replaced by A.
Protein change: p.Val210Met; replaces valine 210 with methionine.
Molecular consequence: missense variant.
Genome position (GRCh38, 1-based): chrX:71,224,335, G>A. VCF-style: chrX-71224335-G-A. GRCh37 (hg19) VCF-style: chrX-70444185-G-A.
Other names: c.628G>A, p.Val210Met (NM_001097642.3, NM_001440770.1); short protein forms V210M.
Identifiers: ClinVar variation 5020899 (VCV005020899.1).

ClinVar aggregate classification (germline): Uncertain significance (1 of 4 stars; one submission).

Submission:

Dasa
Classification: Uncertain significance. Last evaluated: 2025-08-06. Review status: criteria provided, single submitter. Criteria: DASA Assertion Criteria. Collection method: clinical testing. Allele origin: germline.
Comment: NM_000166.6(GJB1):c.628G>A (p.Val210Met) is a missense variant that results in the substitution of valine with methionine. The affected residue or protein region has prior evidence supporting clinical relevance. This variant is absent from population databases. The currently available literature and clinical evidence are not sufficient to establish a definitive association between this variant and the reported condition. Therefore, this variant is classified as a variant of uncertain significance.